The following is an entry in ClinVar:

NM_000092.5(COL4A4):c.817-1G>A

Gene: COL4A4 (collagen type IV alpha 4 chain; minus strand). Cytogenetic location: 2q36.3.
Variant type: single nucleotide variant.
Coding change: c.817-1G>A on transcript NM_000092.5 (MANE Select); the canonical splice acceptor site of the intron before coding-DNA position 817, G replaced by A.
Molecular consequence: splice acceptor variant.
Genome position (GRCh38, 1-based): chr2:227,103,198, C>T on the plus strand (G>A on the coding strand, the complement: COL4A4 is on the minus strand). VCF-style: chr2-227103198-C-T. GRCh37 (hg19) VCF-style: chr2-227967914-C-T.
Identifiers: ClinVar variation 1502821 (VCV001502821.8), dbSNP rs2150794687, ClinGen allele CA350857873.

ClinVar aggregate classification (germline): Likely pathogenic (1 of 4 stars; one submission).

Submission:

Labcorp Genetics (formerly Invitae), Labcorp
Classification: Likely pathogenic. Last evaluated: 2023-05-02. Review status: criteria provided, single submitter. Criteria: Invitae Variant Classification Sherloc (09022015). Collection method: clinical testing. Allele origin: germline.
Comment: This sequence change affects an acceptor splice site in intron 13 of the COL4A4 gene. It is expected to disrupt RNA splicing. Variants that disrupt the donor or acceptor splice site typically lead to a loss of protein function (PMID: 16199547), and loss-of-function variants in COL4A4 are known to be pathogenic (PMID: 21196518, 24854265, 25307543). This variant is not present in population databases (gnomAD no frequency). Disruption of this splice site has been observed in individual(s) with clinical features of Alport syndrome (Invitae). ClinVar contains an entry for this variant (Variation ID: 1502821). Algorithms developed to predict the effect of sequence changes on RNA splicing suggest that this variant may disrupt the consensus splice site. In summary, the currently available evidence indicates that the variant is pathogenic, but additional data are needed to prove that conclusively. Therefore, this variant has been classified as Likely Pathogenic.

Literature cited by the submitters: PubMed 16199547; PubMed 21196518; PubMed 24854265; PubMed 25307543.